The following is an entry in ClinVar:

NM_000360.4(TH):c.398G>T (p.Arg133Leu)

Gene: TH (tyrosine hydroxylase; minus strand). Cytogenetic location: 11p15.5.
Variant type: single nucleotide variant.
Coding change: c.398G>T on transcript NM_000360.4 (MANE Select); coding-DNA position 398, G replaced by T.
Protein change: p.Arg133Leu; replaces arginine 133 with leucine.
Molecular consequence: missense variant.
Genome position (GRCh38, 1-based): chr11:2,168,580, C>A on the plus strand (G>T on the coding strand, the complement: TH is on the minus strand). VCF-style: chr11-2168580-C-A. GRCh37 (hg19) VCF-style: chr11-2189810-C-A.
Other names: c.491G>T, p.Arg164Leu (NM_199292.3); c.479G>T, p.Arg160Leu (NM_199293.3); short protein forms R133L, R160L, R164L.
Identifiers: ClinVar variation 1431534 (VCV001431534.5), dbSNP rs376881948, ClinGen allele CA5818681.

ClinVar aggregate classification (germline): Uncertain significance (1 of 4 stars; one submission).

Conditions:
TH-deficient dopa-responsive dystonia. Also called: Tyrosine Hydroxylase-Deficient Dopa-Responsive Dystonia; Segawa syndrome, autosomal recessive; DYT-TH. Identifiers: Orphanet 101150, MedGen C2673535, MONDO:0011551, OMIM 605407.

Submission:

Labcorp Genetics (formerly Invitae), Labcorp
Classification: Uncertain significance for TH-deficient dopa-responsive dystonia. Last evaluated: 2021-09-17. Review status: criteria provided, single submitter. Criteria: Invitae Variant Classification Sherloc (09022015). Collection method: clinical testing. Allele origin: germline.
Comment: This sequence change replaces arginine with leucine at codon 164 of the TH protein (p.Arg164Leu). The arginine residue is highly conserved and there is a moderate physicochemical difference between arginine and leucine. This variant is present in population databases (rs376881948, ExAC 0.002%). This variant has not been reported in the literature in individuals with TH-related conditions. Algorithms developed to predict the effect of missense changes on protein structure and function are either unavailable or do not agree on the potential impact of this missense change (SIFT: "Tolerated"; PolyPhen-2: "Benign"; Align-GVGD: "Class C0"). In summary, the available evidence is currently insufficient to determine the role of this variant in disease. Therefore, it has been classified as a Variant of Uncertain Significance.